The following is an entry in ClinVar:

NM_021076.4(NEFH):c.3012_3013insCAAA (p.Ser1005fs)

Gene: NEFH (neurofilament heavy chain; plus strand). Cytogenetic location: 22q12.2.
Variant type: Insertion.
Coding change: c.3012_3013insCAAA on transcript NM_021076.4 (MANE Select); coding-DNA positions 3012 to 3013, CAAA inserted.
Protein change: p.Ser1005fs; shifts the reading frame from serine 1005.
Molecular consequence: frameshift variant.
Genome position: GRCh38 VCF-style: chr22-29490652-C-CCAAA. GRCh37 (hg19) VCF-style: chr22-29886641-C-CCAAA.
Other names: short protein forms S1005fs.
Identifiers: ClinVar variation 2864475 (VCV002864475.3), dbSNP rs2517980036, ClinGen allele CA2739267860.

ClinVar aggregate classification (germline): Uncertain significance (1 of 4 stars; one submission).

Submission:

Labcorp Genetics (formerly Invitae), Labcorp
Classification: Uncertain significance. Last evaluated: 2023-05-15. Review status: criteria provided, single submitter. Criteria: Invitae Variant Classification Sherloc (09022015). Collection method: clinical testing. Allele origin: germline.
Comment: This variant is not present in population databases (gnomAD no frequency). In summary, the available evidence is currently insufficient to determine the role of this variant in disease. Therefore, it has been classified as a Variant of Uncertain Significance. This variant results in an extension of the NEFH protein. Other variant(s) that result in a similarly extended protein product (p.Lys1020Glufs*43) have been determined to be pathogenic (PMID: 29587262, 30992180; Invitae). This suggests that these extensions are likely to be disease-causing. This variant has not been reported in the literature in individuals affected with NEFH-related conditions. This sequence change results in a frameshift in the NEFH gene (p.Ser1005Glnfs*59). While this is not anticipated to result in nonsense mediated decay, it is expected to disrupt the last 16 amino acid(s) of the NEFH protein and extend the protein by 42 additional amino acid residues.

Literature cited by the submitters: PubMed 29587262; PubMed 30992180.